The following is an entry in ClinVar:

ClinVar aggregate classification (germline): Uncertain significance (1 of 4 stars; one submission).

gnomAD v4.1: 2 of 1,613,624 alleles (0.00012%); highest among the groups gnomAD compares: Non-Finnish European, 0.00017%; no homozygotes.

Submission:

Labcorp Genetics (formerly Invitae), Labcorp
Classification: Uncertain significance. Last evaluated: 2021-10-21. Review status: criteria provided, single submitter. Criteria: Invitae Variant Classification Sherloc (09022015). Collection method: clinical testing. Allele origin: germline.
Comment: In summary, the available evidence is currently insufficient to determine the role of this variant in disease. Therefore, it has been classified as a Variant of Uncertain Significance. Algorithms developed to predict the effect of missense changes on protein structure and function are either unavailable or do not agree on the potential impact of this missense change (SIFT: "Deleterious"; PolyPhen-2: "Not Available"; Align-GVGD: "Class C0"). This variant has not been reported in the literature in individuals affected with SRCAP-related conditions. This variant is not present in population databases (ExAC no frequency). This sequence change replaces leucine with valine at codon 3066 of the SRCAP protein (p.Leu3066Val). The leucine residue is moderately conserved and there is a small physicochemical difference between leucine and valine.

NM_006662.3(SRCAP):c.9196C>G (p.Leu3066Val)

Gene: SRCAP (Snf2 related CREBBP activator protein; plus strand). Cytogenetic location: 16p11.2.
Variant type: single nucleotide variant.
Coding change: c.9196C>G on transcript NM_006662.3 (MANE Select); coding-DNA position 9196, C replaced by G.
Protein change: p.Leu3066Val; replaces leucine 3066 with valine.
Molecular consequence: missense variant.
Genome position (GRCh38, 1-based): chr16:30,739,236, C>G. VCF-style: chr16-30739236-C-G. GRCh37 (hg19) VCF-style: chr16-30750557-C-G.
Other names: short protein forms L3066V.
Identifiers: ClinVar variation 1516980 (VCV001516980.6), dbSNP rs188422882, ClinGen allele CA395643511.
Genomic context (GRCh38, chr16:30,739,236, plus strand): 5'-GGCCAAGGGGAGAGTGAGGGTAGTTCCTCTGATGAGGATGGAAGCCGCCCCCTCACCCGC[C>G]TGGCCCGCCTTCGGCTTGAAGCAGAAGGAATGCGAGGACGGAAGAGTGGAGGGTCCATGG-3'
Protein context (NP_006653.2, residues 3056-3076): DEDGSRPLTR[Leu3066Val]ARLRLEAEGM